The following is an entry in ClinVar:

NM_001267550.2(TTN):c.68456T>C (p.Met22819Thr)

Genes: TTN-AS1 (TTN antisense RNA 1; plus strand), TTN (titin; minus strand). Cytogenetic location: 2q31.2.
Variant type: single nucleotide variant.
Coding change: c.68456T>C on transcript NM_001267550.2 (MANE Select); coding-DNA position 68456, T replaced by C.
Protein change: p.Met22819Thr; replaces methionine 22819 with threonine.
Molecular consequence: missense variant.
Genome position (GRCh38, 1-based): chr2:178,578,059, A>G on the plus strand (T>C on the coding strand, the complement: TTN is on the minus strand). VCF-style: chr2-178578059-A-G. GRCh37 (hg19) VCF-style: chr2-179442786-A-G.
Other names: c.63533T>C, p.Met21178Thr (NM_001256850.1); c.41261T>C, p.Met13754Thr (NM_003319.4); c.60752T>C, p.Met20251Thr (NM_133378.4); c.41636T>C, p.Met13879Thr (NM_133432.3); c.41837T>C, p.Met13946Thr (NM_133437.4); short protein forms M13754T, M22819T, M13879T, M13946T, M20251T, M21178T.
Identifiers: ClinVar variation 1738043 (VCV001738043.3), dbSNP rs770698117, ClinGen allele CA1991103.

ClinVar aggregate classification (germline): Uncertain significance. Review status: criteria provided, multiple submitters, no conflicts (2 of 4 stars). 2 submissions from 2 submitters: Uncertain significance (2). Last evaluated 2023-04-06.

Conditions:
Cardiovascular phenotype. Identifiers: MedGen CN230736.

Allele frequency attached by ClinVar (database versions not stated): TOPMed below 0.00001; ExAC 0.00001; gnomAD 0.00001; gnomAD exomes 0.00001.
gnomAD v4.1: 17 of 1,613,136 alleles (0.0011%); highest among the groups gnomAD compares: East Asian, 0.0022%; no homozygotes.

Submissions (2):

GeneDx
Classification: Uncertain significance. Last evaluated: 2023-04-06. Review status: criteria provided, single submitter. Criteria: GeneDx Variant Classification Process June 2021. Collection method: clinical testing. Allele origin: germline. Affected: yes.
Comment: Reported in two alleles from a large cohort of individuals with skeletal muscle diseases, however individual clinical and segregation information was not provided (Savarese et al., 2020); Not observed at significant frequency in large population cohorts (gnomAD); Missense variant in a gene in which most reported pathogenic variants are truncating/loss of function; Located in the A-band region of TTN in which the majority of loss of function variants have been associated with autosomal dominant titinopathies (Herman et al., 2012); This variant is associated with the following publications: (PMID: 32039858)

Ambry Genetics
Classification: Uncertain significance for Cardiovascular phenotype. Last evaluated: 2020-01-10. Review status: criteria provided, single submitter. Criteria: Ambry Variant Classification Scheme 2023. Collection method: clinical testing. Allele origin: germline.
Comment: The p.M13754T variant (also known as c.41261T>C), located in coding exon 149 of the TTN gene, results from a T to C substitution at nucleotide position 41261. The methionine at codon 13754 is replaced by threonine, an amino acid with similar properties. This amino acid position is highly conserved in available vertebrate species. In addition, the in silico prediction for this alteration is inconclusive. Since supporting evidence is limited at this time, the clinical significance of this alteration remains unclear.